The following is an entry in ClinVar:

NM_001282225.2(ADA2):c.365A>T (p.Asp122Val)

Gene: ADA2 (adenosine deaminase 2; minus strand). Cytogenetic location: 22q11.1.
Variant type: single nucleotide variant.
Coding change: c.365A>T on transcript NM_001282225.2 (MANE Select); coding-DNA position 365, A replaced by T.
Protein change: p.Asp122Val; replaces aspartic acid 122 with valine.
Molecular consequence: missense variant.
Genome position (GRCh38, 1-based): chr22:17,207,248, T>A on the plus strand (A>T on the coding strand, the complement: ADA2 is on the minus strand). VCF-style: chr22-17207248-T-A. GRCh37 (hg19) VCF-style: chr22-17688138-T-A.
Other names: c.365A>T, p.Asp122Val (NM_001282226.2); c.239A>T, p.Asp80Val (NM_001282227.2, NM_001282228.2); c.5A>T, p.Asp2Val (NM_001282229.2); short protein forms D80V, D122V, D2V.
Identifiers: ClinVar variation 2707911 (VCV002707911.3), dbSNP rs2517354897, ClinGen allele CA410229857.

ClinVar aggregate classification (germline): Uncertain significance (1 of 4 stars; one submission).

Conditions:
Deficiency of adenosine deaminase 2. Also called: VASCULITIS, AUTOINFLAMMATION, IMMUNODEFICIENCY, AND HEMATOLOGIC DEFECTS SYNDROME; Polyarteritis nodosa, childhoood-onset; Adenosine Deaminase 2 Deficiency. Identifiers: Orphanet 404553, MedGen C3887654, MONDO:0014306, OMIM 615688, MONDO:0100317.

Submission:

Labcorp Genetics (formerly Invitae), Labcorp
Classification: Uncertain significance for Deficiency of adenosine deaminase 2. Last evaluated: 2024-01-06. Review status: criteria provided, single submitter. Criteria: Invitae Variant Classification Sherloc (09022015). Collection method: clinical testing. Allele origin: germline.
Comment: This sequence change replaces aspartic acid, which is acidic and polar, with valine, which is neutral and non-polar, at codon 122 of the ADA2 protein (p.Asp122Val). This variant is not present in population databases (gnomAD no frequency). This variant has not been reported in the literature in individuals affected with ADA2-related conditions. Advanced modeling of protein sequence and biophysical properties (such as structural, functional, and spatial information, amino acid conservation, physicochemical variation, residue mobility, and thermodynamic stability) has been performed at Invitae for this missense variant, however the output from this modeling did not meet the statistical confidence thresholds required to predict the impact of this variant on ADA2 protein function. In summary, the available evidence is currently insufficient to determine the role of this variant in disease. Therefore, it has been classified as a Variant of Uncertain Significance.